The following is an entry in ClinVar:

ClinVar aggregate classification (germline): Conflicting classifications of pathogenicity. Review status: criteria provided, conflicting classifications (1 of 4 stars). 3 submissions from 3 submitters: Uncertain significance (1); Likely benign (2). Last evaluated 2025-05-27.

Conditions:
Inborn genetic diseases. Identifiers: MedGen C0950123, MeSH D030342.

Allele frequency attached by ClinVar (database versions not stated): gnomAD 0.00004; ESP Exome Variant Server 0.00015; 1000 Genomes Project 0.00040; 1000 Genomes Project 30x 0.00062.
gnomAD v4.1: 403 of 1,614,012 alleles (0.025%); highest among the groups gnomAD compares: South Asian, 0.17%; 2 homozygotes.

Submissions (3):

Women's Health and Genetics/Laboratory Corporation of America, LabCorp
Classification: Likely benign. Last evaluated: 2025-05-27. Review status: criteria provided, single submitter. Criteria: LabCorp Variant Classification Summary - May 2015. Collection method: clinical testing. Allele origin: germline.
Comment: Variant summary: MCM3AP c.1630G>A (p.Ala544Thr) results in a non-conservative amino acid change in the encoded protein sequence. Algorithms developed to predict the effect of missense changes on protein structure and function are either unavailable or do not agree on the potential impact of this missense change. The variant allele was found at a frequency of 0.00034 in 251284 control chromosomes, predominantly at a frequency of 0.0019 within the South Asian subpopulation in the gnomAD database, including 2 homozygotes. The observed variant frequency within South Asian control individuals in the gnomAD database is approximately two fold of the estimated maximal expected allele frequency for a pathogenic variant in MCM3AP causing Peripheral neuropathy, autosomal recessive, with or without impaired intellectual development phenotype (0.0011). To our knowledge, no occurrence of c.1630G>A in individuals affected with Peripheral neuropathy, autosomal recessive, with or without impaired intellectual development and no experimental evidence demonstrating its impact on protein function have been reported. ClinVar contains an entry for this variant (Variation ID: 1356251). Based on the evidence outlined above, the variant was classified as likely benign.

Labcorp Genetics (formerly Invitae), Labcorp
Classification: Uncertain significance. Last evaluated: 2025-01-17. Review status: criteria provided, single submitter. Criteria: Invitae Variant Classification Sherloc (09022015). Collection method: clinical testing. Allele origin: germline.
Comment: This sequence change replaces alanine, which is neutral and non-polar, with threonine, which is neutral and polar, at codon 544 of the MCM3AP protein (p.Ala544Thr). This variant is present in population databases (rs149627512, gnomAD 0.2%). This variant has not been reported in the literature in individuals affected with MCM3AP-related conditions. ClinVar contains an entry for this variant (Variation ID: 1356251). An algorithm developed to predict the effect of missense changes on protein structure and function outputs the following: PolyPhen-2: "Benign". The threonine amino acid residue is found in multiple mammalian species, which suggests that this missense change does not adversely affect protein function. In summary, the available evidence is currently insufficient to determine the role of this variant in disease. Therefore, it has been classified as a Variant of Uncertain Significance.

Ambry Genetics
Classification: Likely benign for Inborn genetic diseases. Last evaluated: 2023-07-30. Review status: criteria provided, single submitter. Criteria: Ambry Variant Classification Scheme 2023. Collection method: clinical testing. Allele origin: germline.

NM_003906.5(MCM3AP):c.1630G>A (p.Ala544Thr)

Gene: MCM3AP (minichromosome maintenance complex component 3 associated protein; minus strand). Cytogenetic location: 21q22.3.
Variant type: single nucleotide variant.
Coding change: c.1630G>A on transcript NM_003906.5 (MANE Select); coding-DNA position 1630, G replaced by A.
Protein change: p.Ala544Thr; replaces alanine 544 with threonine.
Molecular consequence: missense variant.
Genome position (GRCh38, 1-based): chr21:46,280,030, C>T on the plus strand (G>A on the coding strand, the complement: MCM3AP is on the minus strand). VCF-style: chr21-46280030-C-T. GRCh37 (hg19) VCF-style: chr21-47699944-C-T.
Other names: c.1630G>A (NM_003906.3); short protein forms A544T.
Identifiers: ClinVar variation 1356251 (VCV001356251.6), dbSNP rs149627512, ClinGen allele CA10077032.
Genomic context (GRCh38, chr21:46,280,030, plus strand): 5'-TCATTAGGAGGGACCGATCCCACCTTTTATTCAGGAGGCTGCTAGCACCAGTCCTCCCTG[C>T]GGCCTTGCCAAGAGGAGAGTGCTGAAAGGGTGCATCCTCTGTGCTCGGGCTGACTTCACC-3'
Protein context (NP_003897.2, residues 534-554): PFQHSPLGKA[Ala544Thr]GRTGASSLLN